The following is an entry in ClinVar:

ClinVar aggregate classification (germline): Benign/Likely benign. Review status: criteria provided, multiple submitters, no conflicts (2 of 4 stars). 4 submissions from 4 submitters: Benign (1); Likely benign (2). 1 of the submissions does not count toward it. Last evaluated 2024-11-13.

Conditions:
ZNF292-related disorder. Also called: ZNF292-related condition.

Allele frequency attached by ClinVar (database versions not stated): gnomAD exomes 0.00021 and 0.00057; ExAC 0.00121; gnomAD 0.00211 and 0.00220; TOPMed 0.00227; ESP Exome Variant Server 0.00246; 1000 Genomes Project 30x 0.00375; 1000 Genomes Project 0.00379.
gnomAD v4.1: 635 of 1,591,148 alleles (0.04%); highest among the groups gnomAD compares: African/African-American, 0.75%; 1 homozygote.

Submissions (4):

Blueprint Genetics
Classification: Likely benign. Last evaluated: 2024-11-13. Review status: criteria provided, single submitter. Criteria: ACMG Guidelines, 2015. Collection method: clinical testing. Allele origin: germline.

CeGaT Center for Human Genetics Tuebingen
Classification: Likely benign. Last evaluated: 2022-12-01. Review status: criteria provided, single submitter. Criteria: CeGaT Center For Human Genetics Tuebingen Variant Classification Criteria Version 2. Collection method: clinical testing. Allele origin: germline. Affected: yes. Observed: 1 variant allele.
Comment: ZNF292: BP4, BP7

Labcorp Genetics (formerly Invitae), Labcorp
Classification: Benign. Last evaluated: 2018-03-30. Review status: criteria provided, single submitter. Criteria: Invitae Variant Classification Sherloc (09022015). Collection method: clinical testing. Allele origin: germline.

PreventionGenetics, part of Exact Sciences
Classification: Benign for ZNF292-related condition. Last evaluated: 2019-03-01. Review status: no assertion criteria provided. Collection method: clinical testing. Allele origin: germline. Not counted in ClinVar's aggregate classification.
Comment: This variant is classified as benign based on ACMG/AMP sequence variant interpretation guidelines (Richards et al. 2015 PMID: 25741868, with internal and published modifications).

NM_015021.3(ZNF292):c.5823A>G (p.Gln1941=)

Gene: ZNF292 (zinc finger protein 292; plus strand). Cytogenetic location: 6q14.3.
Variant type: single nucleotide variant.
Coding change: c.5823A>G on transcript NM_015021.3 (MANE Select); coding-DNA position 5823, A replaced by G.
Protein change: p.Gln1941=; no amino-acid change (glutamine 1941 retained).
Molecular consequence: synonymous variant.
Genome position (GRCh38, 1-based): chr6:87,259,452, A>G. VCF-style: chr6-87259452-A-G. GRCh37 (hg19) VCF-style: chr6-87969170-A-G.
Other names: c.5403A>G, p.Gln1801= (NM_001351444.2).
Identifiers: ClinVar variation 737610 (VCV000737610.29), dbSNP rs146654070, ClinGen allele CA3914537.